The following is an entry in ClinVar:

ClinVar aggregate classification (germline): Benign. Review status: criteria provided, multiple submitters, no conflicts (2 of 4 stars). 11 submissions from 11 submitters: Benign (7). 4 of the submissions do not count toward it. Last evaluated 2026-02-03.

Conditions:
Inborn genetic diseases. Identifiers: MedGen C0950123, MeSH D030342.
Intellectual developmental disorder, X-linked, syndromic, Hedera type. Also called: Syndromic X-linked intellectual disability Hedera type. Identifiers: Orphanet 93952, MedGen C1845543, MONDO:0010319, OMIM 300423.

Allele frequency attached by ClinVar (database versions not stated): gnomAD exomes 0.04358 and 0.06577; ExAC 0.04203; TOPMed 0.04909; gnomAD 0.03641; ESP Exome Variant Server 0.04989; 1000 Genomes Project 0.02940; 1000 Genomes Project 30x 0.03039.
gnomAD v4.1: 76,976 of 1,209,214 alleles (6.4%); highest among the groups gnomAD compares: Non-Finnish European, 7.6%; 2,031 homozygotes.

Submissions (11):

Labcorp Genetics (formerly Invitae), Labcorp
Classification: Benign for Intellectual developmental disorder, X-linked, syndromic, Hedera type. Last evaluated: 2026-02-03. Review status: criteria provided, single submitter. Criteria: Invitae Variant Classification Sherloc (09022015). Collection method: clinical testing. Allele origin: germline.

Athena Diagnostics
Classification: Benign. Last evaluated: 2024-12-02. Review status: criteria provided, single submitter. Criteria: Athena Diagnostics Criteria. Collection method: clinical testing. Allele origin: unknown.
Comment: The frequency of this variant in the general population is higher than would generally be expected for pathogenic variants in this gene.

Mayo Clinic Laboratories, Mayo Clinic
Classification: Benign. Last evaluated: 2022-03-23. Review status: criteria provided, single submitter. Criteria: ACMG Guidelines, 2015. Collection method: clinical testing. Allele origin: germline. Observed: 86 variant alleles.

Ambry Genetics
Classification: Benign for Inborn genetic diseases. Last evaluated: 2015-09-08. Review status: criteria provided, single submitter. Criteria: Ambry Variant Classification Scheme 2023. Collection method: clinical testing. Allele origin: germline.

GeneDx
Classification: Benign. Last evaluated: 2015-03-03. Review status: criteria provided, single submitter. Criteria: GeneDx Variant Classification Process June 2021. Collection method: clinical testing. Allele origin: germline. Affected: yes.

Eurofins Ntd Llc (ga)
Classification: Benign. Last evaluated: 2013-07-03. Review status: criteria provided, single submitter. Criteria: EGL Classification Definitions 2015. Collection method: clinical testing. Allele origin: germline. Observed: 1 variant allele, 1 heterozygote.

Breakthrough Genomics
Classification: Benign. Review status: criteria provided, single submitter. Criteria: ACMG Guidelines, 2015. Collection method: not provided. Allele origin: germline. Inheritance: X-linked inheritance. Affected: yes.

Clinical Genetics DNA and cytogenetics Diagnostics Lab, Erasmus MC, Erasmus Medical Center
Classification: Benign. Review status: no assertion criteria provided. Collection method: clinical testing. Allele origin: germline. Affected: yes. Study: VKGL Data-share Consensus. Not counted in ClinVar's aggregate classification.

Genetic Services Laboratory, University of Chicago
Classification: Likely benign for AllHighlyPenetrant. Review status: no assertion criteria provided. Collection method: clinical testing. Allele origin: germline. Inheritance: X-linked inheritance. Not counted in ClinVar's aggregate classification.
Comment: Likely benign based on allele frequency in 1000 Genomes Project or ESP global frequency and its presence in a patient with a rare or unrelated disease phenotype. NOT Sanger confirmed.

Genome Diagnostics Laboratory, Amsterdam University Medical Center
Classification: Likely benign. Review status: no assertion criteria provided. Collection method: clinical testing. Allele origin: germline. Affected: yes. Study: VKGL Data-share Consensus. Not counted in ClinVar's aggregate classification.

Genome Diagnostics Laboratory, University Medical Center Utrecht
Classification: Benign. Review status: no assertion criteria provided. Collection method: clinical testing. Allele origin: germline. Affected: yes. Study: VKGL Data-share Consensus. Not counted in ClinVar's aggregate classification.

NM_005765.3(ATP6AP2):c.268C>G (p.Pro90Ala)

Gene: ATP6AP2 (ATPase H+ transporting accessory protein 2; plus strand). Cytogenetic location: Xp11.4.
Variant type: single nucleotide variant.
Coding change: c.268C>G on transcript NM_005765.3 (MANE Select); coding-DNA position 268, C replaced by G.
Protein change: p.Pro90Ala; replaces proline 90 with alanine.
Molecular consequence: missense variant.
Genome position (GRCh38, 1-based): chrX:40,591,333, C>G. VCF-style: chrX-40591333-C-G. GRCh37 (hg19) VCF-style: chrX-40450585-C-G.
Other names: short protein forms P90A.
Identifiers: ClinVar variation 95311 (VCV000095311.28), dbSNP rs9014, ClinGen allele CA148417.
Genomic context (GRCh38, chrX:40,591,333, plus strand): 5'-CATCGTCCTCGGGCTACCGTCATGGTGATGGTGAAGGGAGTGAACAAACTGGCTCTACCC[C>G]CAGGCAGTGTCATTTCGTACCCTTTGGAGAATGTGAGTATTTATTATAAAAAATTAAAGG-3'
Protein context (NP_005756.2, residues 80-100): VKGVNKLALP[Pro90Ala]GSVISYPLEN